The following is an entry in ClinVar:

ClinVar aggregate classification (germline): Benign. Review status: criteria provided, multiple submitters, no conflicts (2 of 4 stars). 2 submissions from 2 submitters: Benign (2). Last evaluated 2018-01-13.

Conditions:
Autosomal dominant pseudohypoaldosteronism type 1. Also called: Pseudohypoaldosteronism, Type I, Autosomal Dominant; PHA I, AUTOSOMAL DOMINANT; Pseudohypoaldosteronism, Type I, Dominant. Identifiers: Orphanet 171871, Orphanet 756, MedGen C1449842, MONDO:0008329, OMIM 177735.

Allele frequency attached by ClinVar (database versions not stated): gnomAD exomes 0.63084; gnomAD 0.67142 and 0.67732; TOPMed 0.68301; 1000 Genomes Project 30x 0.71377; 1000 Genomes Project 0.71625.
gnomAD v4.1: 103,338 of 152,572 alleles (68%); highest among the groups gnomAD compares: East Asian, 83%; 35,183 homozygotes.

Submissions (2):

Illumina Laboratory Services, Illumina
Classification: Benign for Autosomal dominant pseudohypoaldosteronism type 1. Last evaluated: 2018-01-13. Review status: criteria provided, single submitter. Criteria: ICSL Variant Classification Criteria 13 December 2019. Collection method: clinical testing. Allele origin: germline.
Comment: This variant was observed in the ICSL laboratory as part of a predisposition screen in an ostensibly healthy population. It had not been previously curated by ICSL or reported in the Human Gene Mutation Database (HGMD: prior to June 1st, 2018), and was therefore a candidate for classification through an automated scoring system. Utilizing variant allele frequency, disease prevalence and penetrance estimates, and inheritance mode, an automated score was calculated to assess if this variant is too frequent to cause the disease. Based on the score and internal cut-off values, a variant classified as benign is not then subjected to further curation. The score for this variant resulted in a classification of benign for this disease.

Breakthrough Genomics
Classification: Benign. Review status: criteria provided, single submitter. Criteria: ACMG Guidelines, 2015. Collection method: not provided. Allele origin: germline. Inheritance: Autosomal dominant inheritance. Affected: yes.

NM_000901.5(NR3C2):c.*2471G>A

Gene: NR3C2 (nuclear receptor subfamily 3 group C member 2; minus strand). Cytogenetic location: 4q31.23.
Variant type: single nucleotide variant.
Coding change: c.*2471G>A on transcript NM_000901.5 (MANE Select); 2471 bases downstream of the stop codon, G replaced by A.
Molecular consequence: 3 prime UTR variant. On other transcripts: non-coding transcript variant (1).
Genome position (GRCh38, 1-based): chr4:148,078,873, C>T on the plus strand (G>A on the coding strand, the complement: NR3C2 is on the minus strand). VCF-style: chr4-148078873-C-T. GRCh37 (hg19) VCF-style: chr4-149000024-C-T.
Other names: c.*2471G>A (NM_001166104.2, NM_001354819.1).
Identifiers: ClinVar variation 347673 (VCV000347673.6), dbSNP rs2871, ClinGen allele CA10620196.